The following is an entry in ClinVar:

ClinVar aggregate classification (germline): Conflicting classifications of pathogenicity. Review status: criteria provided, conflicting classifications (1 of 4 stars). 3 submissions from 3 submitters: Uncertain significance (2); Likely benign (1). Last evaluated 2026-01-31.

Conditions:
Inborn genetic diseases. Identifiers: MedGen C0950123, MeSH D030342.
Jeune thoracic dystrophy. Also called: Jeune syndrome; Infantile thoracic dystrophy; Thoracic pelvic phalangeal dystrophy; Jeune's syndrome; Chondroectodermal dysplasia-like syndrome; Short-rib thoracic dysplasia. Identifiers: Orphanet 474, MedGen C0265275, MONDO:0018770.

Allele frequency attached by ClinVar (database versions not stated): gnomAD exomes 0.00001 and 0.00006; gnomAD 0.00003; TOPMed 0.00003; ExAC 0.00012.
gnomAD v4.1: 18 of 1,483,344 alleles (0.0012%); highest among the groups gnomAD compares: East Asian, 0.031%; no homozygotes.

Submissions (3):

Labcorp Genetics (formerly Invitae), Labcorp
Classification: Likely benign for Jeune thoracic dystrophy. Last evaluated: 2026-01-31. Review status: criteria provided, single submitter. Criteria: Invitae Variant Classification Sherloc (09022015). Collection method: clinical testing. Allele origin: germline.

Ambry Genetics
Classification: Uncertain significance for Inborn genetic diseases. Last evaluated: 2025-05-18. Review status: criteria provided, single submitter. Criteria: Ambry Variant Classification Scheme 2023. Collection method: clinical testing. Allele origin: germline.

GeneDx
Classification: Uncertain significance. Last evaluated: 2019-08-14. Review status: criteria provided, single submitter. Criteria: GeneDx Variant Classification Process June 2021. Collection method: clinical testing. Allele origin: germline. Affected: yes.
Comment: In silico analysis, which includes protein predictors and evolutionary conservation, supports that this variant does not alter protein structure/function; Has not been previously published as pathogenic or benign to our knowledge

NM_001377.3(DYNC2H1):c.8536T>C (p.Ser2846Pro)

Gene: DYNC2H1 (dynein cytoplasmic 2 heavy chain 1; plus strand). Cytogenetic location: 11q22.3.
Variant type: single nucleotide variant.
Coding change: c.8536T>C on transcript NM_001377.3 (MANE Select); coding-DNA position 8536, T replaced by C.
Protein change: p.Ser2846Pro; replaces serine 2846 with proline.
Molecular consequence: missense variant.
Genome position (GRCh38, 1-based): chr11:103,209,957, T>C. VCF-style: chr11-103209957-T-C. GRCh37 (hg19) VCF-style: chr11-103080686-T-C.
Other names: c.8536T>C, p.Ser2846Pro (NM_001080463.2); short protein forms S2846P.
Identifiers: ClinVar variation 1318727 (VCV001318727.11), dbSNP rs767717747, ClinGen allele CA6254474.